The following is an entry in ClinVar:

ClinVar aggregate classification (germline): Uncertain significance. Review status: criteria provided, multiple submitters, no conflicts (2 of 4 stars). 4 submissions from 4 submitters: Uncertain significance (4). Last evaluated 2025-01-27.

Conditions:
Inborn genetic diseases. Identifiers: MedGen C0950123, MeSH D030342.
Autosomal dominant Alport syndrome (ATS3A). Also called: Alport syndrome dominant type; Renal failure and sensorineural hearing loss; ALPORT SYNDROME 3A, AUTOSOMAL DOMINANT. Identifiers: Orphanet 63, Orphanet 88918, MedGen C5882663, MONDO:0007086, OMIM 104200.
Autosomal recessive Alport syndrome (ATS2). Also called: COL4A4 Alport Syndrome and Thin Basement Membrane Nephropathy; Alport syndrome type 2; COL4A3-Related Nephropathy; ALPORT SYNDROME 2, AUTOSOMAL RECESSIVE. Identifiers: Orphanet 63, Orphanet 88919, MedGen C4746745, MONDO:0008762, OMIM 203780.
Benign familial hematuria. Also called: thin basement membrane disease. Identifiers: MedGen C0241908, MONDO:0957317.

Allele frequency attached by ClinVar (database versions not stated): gnomAD exomes below 0.00001; gnomAD 0.00001; TOPMed 0.00001.
gnomAD v4.1: 2 of 1,613,720 alleles (0.00012%); highest among the groups gnomAD compares: Admixed American, 0.0017%; no homozygotes.

Submissions (4):

Ambry Genetics
Classification: Uncertain significance for Inborn genetic diseases. Last evaluated: 2025-01-27. Review status: criteria provided, single submitter. Criteria: Ambry Variant Classification Scheme 2023. Collection method: clinical testing. Allele origin: germline.

Labcorp Genetics (formerly Invitae), Labcorp
Classification: Uncertain significance. Last evaluated: 2021-11-26. Review status: criteria provided, single submitter. Criteria: Invitae Variant Classification Sherloc (09022015). Collection method: clinical testing. Allele origin: germline.
Comment: This sequence change replaces proline, which is neutral and non-polar, with leucine, which is neutral and non-polar, at codon 196 of the COL4A3 protein (p.Pro196Leu). This variant is not present in population databases (gnomAD no frequency). This variant has not been reported in the literature in individuals affected with COL4A3-related conditions. ClinVar contains an entry for this variant (Variation ID: 1307444). Advanced modeling of protein sequence and biophysical properties (such as structural, functional, and spatial information, amino acid conservation, physicochemical variation, residue mobility, and thermodynamic stability) performed at Invitae indicates that this missense variant is not expected to disrupt COL4A3 protein function. In summary, the available evidence is currently insufficient to determine the role of this variant in disease. Therefore, it has been classified as a Variant of Uncertain Significance.

Fulgent Genetics
Classification: Uncertain significance for Autosomal dominant Alport syndrome; Hematuria, benign familial, 1; Autosomal recessive Alport syndrome. Last evaluated: 2021-10-15. Review status: criteria provided, single submitter. Criteria: ACMG Guidelines, 2015. Collection method: clinical testing. Allele origin: unknown.

GeneDx
Classification: Uncertain significance. Last evaluated: 2019-08-01. Review status: criteria provided, single submitter. Criteria: GeneDx Variant Classification Process June 2021. Collection method: clinical testing. Allele origin: germline. Affected: yes.
Comment: Not observed in large population cohorts (Lek et al., 2016); In silico analysis, which includes protein predictors and evolutionary conservation, supports a deleterious effect; Has not been previously published as pathogenic or benign to our knowledge

NM_000091.5(COL4A3):c.587C>T (p.Pro196Leu)

Genes: MFF-DT (MFF divergent transcript; minus strand), COL4A3 (collagen type IV alpha 3 chain; plus strand). Cytogenetic location: 2q36.3.
Variant type: single nucleotide variant.
Coding change: c.587C>T on transcript NM_000091.5 (MANE Select); coding-DNA position 587, C replaced by T.
Protein change: p.Pro196Leu; replaces proline 196 with leucine.
Molecular consequence: missense variant.
Genome position (GRCh38, 1-based): chr2:227,251,180, C>T. VCF-style: chr2-227251180-C-T. GRCh37 (hg19) VCF-style: chr2-228115896-C-T.
Other names: short protein forms P196L.
Identifiers: ClinVar variation 1307444 (VCV001307444.5), dbSNP rs2069719935, ClinGen allele CA350863866.